The following is an entry in ClinVar:

ClinVar aggregate classification (germline): Uncertain significance (1 of 4 stars; one submission).

Conditions:
Giant axonal neuropathy 1 (GAN1). Also called: GAN-Related Neurodegeneration; GIANT AXONAL NEUROPATHY 1, AUTOSOMAL RECESSIVE. Identifiers: Orphanet 643, MedGen C1850386, MONDO:0009749, OMIM 256850.

gnomAD v4.1: 1 of 1,609,330 alleles (0.000062%); highest among the groups gnomAD compares: Non-Finnish European, 0.000085%; no homozygotes.

Submission:

Labcorp Genetics (formerly Invitae), Labcorp
Classification: Uncertain significance for Giant axonal neuropathy 1. Last evaluated: 2021-08-27. Review status: criteria provided, single submitter. Criteria: Invitae Variant Classification Sherloc (09022015). Collection method: clinical testing. Allele origin: germline.
Comment: This sequence change replaces methionine with leucine at codon 214 of the GAN protein (p.Met214Leu). The methionine residue is highly conserved and there is a small physicochemical difference between methionine and leucine. This variant is not present in population databases (ExAC no frequency). This variant has not been reported in the literature in individuals affected with GAN-related conditions. Algorithms developed to predict the effect of missense changes on protein structure and function (SIFT, PolyPhen-2, Align-GVGD) all suggest that this variant is likely to be tolerated. In summary, the available evidence is currently insufficient to determine the role of this variant in disease. Therefore, it has been classified as a Variant of Uncertain Significance.

NM_022041.4(GAN):c.640A>T (p.Met214Leu)

Gene: GAN (gigaxonin; plus strand). Cytogenetic location: 16q23.2.
Variant type: single nucleotide variant.
Coding change: c.640A>T on transcript NM_022041.4 (MANE Select); coding-DNA position 640, A replaced by T.
Protein change: p.Met214Leu; replaces methionine 214 with leucine.
Molecular consequence: missense variant. On other transcripts: initiator codon variant (1).
Genome position (GRCh38, 1-based): chr16:81,356,791, A>T. VCF-style: chr16-81356791-A-T. GRCh37 (hg19) VCF-style: chr16-81390396-A-T.
Other names: c.1A>T, p.Met1Leu (NM_001377486.1); short protein forms M1L, M214L.
Identifiers: ClinVar variation 957061 (VCV000957061.7), dbSNP rs778132221, ClinGen allele CA396870561.